The following is an entry in ClinVar:

NM_004415.4(DSP):c.3605A>T (p.Glu1202Val)

Gene: DSP (desmoplakin; plus strand). Cytogenetic location: 6p24.3.
Variant type: single nucleotide variant.
Coding change: c.3605A>T on transcript NM_004415.4 (MANE Select); coding-DNA position 3605, A replaced by T.
Protein change: p.Glu1202Val; replaces glutamic acid 1202 with valine.
Molecular consequence: missense variant. On other transcripts: intron variant (1).
Genome position (GRCh38, 1-based): chr6:7,579,795, A>T. VCF-style: chr6-7579795-A-T. GRCh37 (hg19) VCF-style: chr6-7580028-A-T.
Other names: c.3605A>T, p.Glu1202Val (NM_001319034.2); c.3582+23A>T (NM_001008844.3); short protein forms E1202V.
Identifiers: ClinVar variation 964097 (VCV000964097.12), dbSNP rs374266534, ClinGen allele CA133968541.

ClinVar aggregate classification (germline): Conflicting classifications of pathogenicity. Review status: criteria provided, conflicting classifications (1 of 4 stars). 3 submissions from 3 submitters: Uncertain significance (2); Likely benign (1). Last evaluated 2024-10-14.

Conditions:
Cardiovascular phenotype. Identifiers: MedGen CN230736.
Arrhythmogenic right ventricular dysplasia 8 (ARVD8). Also called: ARRHYTHMOGENIC RIGHT VENTRICULAR CARDIOMYOPATHY 8; Arrhythmogenic Right Ventricular Dysplasia/Cardiomyopathy 8; ARRHYTHMOGENIC RIGHT VENTRICULAR DYSPLASIA, FAMILIAL, 8. Identifiers: MedGen C1843896, MONDO:0011831, OMIM 607450.
Arrhythmogenic cardiomyopathy with wooly hair and keratoderma. Also called: Carvajal syndrome; Arrhythmogenic cardiomyopathy with woolly hair and keratoderma; Dilated cardiomyopathy with woolly hair and keratoderma; PALMOPLANTAR KERATODERMA WITH LEFT VENTRICULAR CARDIOMYOPATHY AND WOOLLY HAIR. Identifiers: Orphanet 65282, MedGen C1854063, MONDO:0011581, OMIM 605676.

Allele frequency attached by ClinVar (database versions not stated): gnomAD 0.00001; gnomAD exomes 0.00001; TOPMed 0.00004; ESP Exome Variant Server 0.00008.
gnomAD v4.1: 3 of 1,613,994 alleles (0.00019%); highest among the groups gnomAD compares: African/African-American, 0.004%; no homozygotes.

Submissions (3):

Labcorp Genetics (formerly Invitae), Labcorp
Classification: Likely benign for Arrhythmogenic cardiomyopathy with wooly hair and keratoderma; Arrhythmogenic right ventricular dysplasia 8. Last evaluated: 2024-10-14. Review status: criteria provided, single submitter. Criteria: Invitae Variant Classification Sherloc (09022015). Collection method: clinical testing. Allele origin: germline.

All of Us Research Program, National Institutes of Health
Classification: Uncertain significance for Arrhythmogenic cardiomyopathy with wooly hair and keratoderma. Last evaluated: 2023-07-10. Review status: criteria provided, single submitter. Criteria: ACMG Guidelines, 2015. Collection method: clinical testing. Allele origin: germline. Inheritance: Autosomal dominant inheritance. Observed: 1 variant allele, 1 heterozygote.
Comment: This missense variant replaces glutamic acid with valine at codon 1202 of the DSP protein. Computational prediction is inconclusive regarding the impact of this variant on protein structure and function (internally defined REVEL score threshold 0.5 < inconclusive < 0.7, PMID: 27666373). To our knowledge, functional studies have not been reported for this variant. This variant has not been reported in individuals affected with DSP-related disorders in the literature. This variant has been identified in 3/282456 chromosomes in the general population by the Genome Aggregation Database (gnomAD). The available evidence is insufficient to determine the role of this variant in disease conclusively. Therefore, this variant is classified as a Variant of Uncertain Significance.

This study involves interpretation of variants in research participants for the purpose of population health screening. Participant phenotype was not available at the time of variant classification. Additional details can be found in publication PMID: 35346344, PMCID: PMC8962531

Ambry Genetics
Classification: Uncertain significance for Cardiovascular phenotype. Last evaluated: 2021-02-05. Review status: criteria provided, single submitter. Criteria: Ambry Variant Classification Scheme 2023. Collection method: clinical testing. Allele origin: germline.
Comment: The p.E1202V variant (also known as c.3605A>T), located in coding exon 23 of the DSP gene, results from an A to T substitution at nucleotide position 3605. The glutamic acid at codon 1202 is replaced by valine, an amino acid with dissimilar properties. This amino acid position is well conserved in available vertebrate species. In addition, this alteration is predicted to be deleterious by in silico analysis. Since supporting evidence is limited at this time, the clinical significance of this alteration remains unclear.